The following is an entry in ClinVar:

NM_001759.4(CCND2):c.398C>T (p.Pro133Leu)

Gene: CCND2 (cyclin D2; plus strand). Cytogenetic location: 12p13.32.
Variant type: single nucleotide variant.
Coding change: c.398C>T on transcript NM_001759.4 (MANE Select); coding-DNA position 398, C replaced by T.
Protein change: p.Pro133Leu; replaces proline 133 with leucine.
Molecular consequence: missense variant.
Genome position (GRCh38, 1-based): chr12:4,276,207, C>T. VCF-style: chr12-4276207-C-T. GRCh37 (hg19) VCF-style: chr12-4385373-C-T.
Other names: short protein forms P133L.
Identifiers: ClinVar variation 3604093 (VCV003604093.2).
Genomic context (GRCh38, chr12:4,276,207, plus strand): 5'-AAGAGACCAGCCCGCTGACCGCGGAGAAGCTGTGCATTTACACCGACAACTCCATCAAGC[C>T]TCAGGAGCTGCTGGTAATGACCGGCCCCTTCCTCCCTTCCTTTCTGCGATTCCCGCTTTC-3'
Protein context (NP_001750.1, residues 123-143): LCIYTDNSIK[Pro133Leu]QELLEWELVV

ClinVar aggregate classification (germline): Uncertain significance (1 of 4 stars; one submission).

gnomAD v4.1: 8 of 1,613,830 alleles (0.0005%); highest among the groups gnomAD compares: South Asian, 0.0022%; no homozygotes.

Submission:

Labcorp Genetics (formerly Invitae), Labcorp
Classification: Uncertain significance. Last evaluated: 2024-05-28. Review status: criteria provided, single submitter. Criteria: Invitae Variant Classification Sherloc (09022015). Collection method: clinical testing. Allele origin: germline.
Comment: This sequence change replaces proline, which is neutral and non-polar, with leucine, which is neutral and non-polar, at codon 133 of the CCND2 protein (p.Pro133Leu). This variant is present in population databases (no rsID available, gnomAD 0.0009%). This variant has not been reported in the literature in individuals affected with CCND2-related conditions. Advanced modeling of protein sequence and biophysical properties (such as structural, functional, and spatial information, amino acid conservation, physicochemical variation, residue mobility, and thermodynamic stability) performed at Invitae indicates that this missense variant is not expected to disrupt CCND2 protein function with a negative predictive value of 80%. In summary, the available evidence is currently insufficient to determine the role of this variant in disease. Therefore, it has been classified as a Variant of Uncertain Significance.